The following is an entry in ClinVar:

NM_003502.4(AXIN1):c.222C>T (p.Gly74=)

Gene: AXIN1 (axin 1; minus strand). Cytogenetic location: 16p13.3.
Variant type: single nucleotide variant.
Coding change: c.222C>T on transcript NM_003502.4 (MANE Select); coding-DNA position 222, C replaced by T.
Protein change: p.Gly74=; no amino-acid change (glycine 74 retained).
Molecular consequence: synonymous variant. On other transcripts: non-coding transcript variant (1).
Genome position (GRCh38, 1-based): chr16:346,804, G>A on the plus strand (C>T on the coding strand, the complement: AXIN1 is on the minus strand). VCF-style: chr16-346804-G-A. GRCh37 (hg19) VCF-style: chr16-396804-G-A.
Other names: c.222C>T, p.Gly74= (NM_181050.3).
Identifiers: ClinVar variation 3350734 (VCV003350734.1).
Genomic context (GRCh38, chr16:346,804, plus strand): 5'-ATCCAGCAGGGAATGCAGTGACTCAGCCCACTTCAAGTATGGTGGGGTGGGGGAGGCACT[G>A]CCCTCAGGCTCATACCCCAGGTCCAGATCCGAGCGCCTCGGAGTGGCCGTCGAAGTCTCA-3'
Protein context (NP_003493.1, residues 64-84): SDLDLGYEPE[Gly74=]SASPTPPYLK

ClinVar aggregate classification (germline): Benign (0 of 4 stars; one submission).

Conditions:
AXIN1-related disorder. Also called: AXIN1-related condition.

gnomAD v4.1: 2,628 of 1,612,928 alleles (0.16%); highest among the groups gnomAD compares: East Asian, 2%; 32 homozygotes.

Submission:

PreventionGenetics, part of Exact Sciences
Classification: Benign for AXIN1-related condition. Last evaluated: 2024-09-03. Review status: no assertion criteria provided. Collection method: clinical testing. Allele origin: germline.
Comment: This variant is classified as benign based on ACMG/AMP sequence variant interpretation guidelines (Richards et al. 2015 PMID: 25741868, with internal and published modifications).